The following is an entry in ClinVar:

ClinVar aggregate classification (germline): Uncertain significance (1 of 4 stars; one submission).

Submissions (2):

CeGaT Center for Human Genetics Tuebingen
Classification: Uncertain significance. Last evaluated: 2026-04-01. Review status: criteria provided, single submitter. Criteria: CeGaT Center For Human Genetics Tuebingen Variant Classification Criteria Version 2. Collection method: clinical testing. Allele origin: germline. Affected: yes. Observed: 1 variant allele.
Comment: KCNE1: PM2

Roden Lab, Vanderbilt University Medical Center
No classification provided (evidence only). Condition: Long QT syndrome 5. Review status: no classification provided. Collection method: in vitro. Allele origin: not applicable. Functional consequence: Effect on ion channel function. Not counted in ClinVar's aggregate classification.
ClinVar note: "not provided" was previously submitted as the classification for the variant. However, the classification appeared to be based only on an observation of functional data so it was converted to no classification on 2025-07-30.

NM_000219.6(KCNE1):c.100T>C (p.Ser34Pro)

Gene: KCNE1 (potassium voltage-gated channel subfamily E regulatory subunit 1; minus strand). Cytogenetic location: 21q22.12.
Variant type: single nucleotide variant.
Coding change: c.100T>C on transcript NM_000219.6 (MANE Select); coding-DNA position 100, T replaced by C.
Protein change: p.Ser34Pro; replaces serine 34 with proline.
Molecular consequence: missense variant.
Genome position (GRCh38, 1-based): chr21:34,449,535, A>G on the plus strand (T>C on the coding strand, the complement: KCNE1 is on the minus strand). VCF-style: chr21-34449535-A-G. GRCh37 (hg19) VCF-style: chr21-35821833-A-G.
Other names: c.100T>C, p.Ser34Pro (NM_001127668.4, NM_001127669.4, NM_001127670.4 and 4 more transcripts); short protein forms S34P.
Identifiers: ClinVar variation 3374048 (VCV003374048.4).